The following is an entry in ClinVar:

NM_000264.5(PTCH1):c.915C>T (p.Pro305=)

Gene: PTCH1 (patched 1; minus strand). Cytogenetic location: 9q22.32.
Variant type: single nucleotide variant.
Coding change: c.915C>T on transcript NM_000264.5 (MANE Select); coding-DNA position 915, C replaced by T.
Protein change: p.Pro305=; no amino-acid change (proline 305 retained).
Molecular consequence: synonymous variant. On other transcripts: non-coding transcript variant (1).
Genome position (GRCh38, 1-based): chr9:95,480,420, G>A on the plus strand (C>T on the coding strand, the complement: PTCH1 is on the minus strand). VCF-style: chr9-95480420-G-A. GRCh37 (hg19) VCF-style: chr9-98242702-G-A.
Other names: c.717C>T, p.Pro239= (NM_001083602.3); c.912C>T, p.Pro304= (NM_001083603.3); c.462C>T, p.Pro154= (NM_001083604.3, NM_001083605.3, NM_001083606.3 and 1 more transcripts); c.915C>T, p.Pro305= (NM_001354918.2).
Identifiers: ClinVar variation 453916 (VCV000453916.25), dbSNP rs137944857, ClinGen allele CA5138821.

ClinVar aggregate classification (germline): Likely benign. Review status: criteria provided, multiple submitters, no conflicts (2 of 4 stars). 4 submissions from 4 submitters: Likely benign (4). Last evaluated 2025-12-22.

Conditions:
Gorlin syndrome. Also called: Nevoid Basal Cell Carcinoma Syndrome; Basal cell nevus syndrome. Identifiers: Orphanet 377, MedGen C0004779, MONDO:0007187.
Hereditary cancer-predisposing syndrome. Also called: Hereditary neoplastic syndrome; Neoplastic Syndromes, Hereditary; Hereditary Cancer Syndrome; Tumor predisposition. Identifiers: Orphanet 140162, MedGen C0027672, MeSH D009386, MONDO:0015356.

Allele frequency attached by ClinVar (database versions not stated): gnomAD 0.00001; ExAC 0.00002; gnomAD exomes 0.00002 and 0.00003; TOPMed 0.00002; ESP Exome Variant Server 0.00008.
gnomAD v4.1: 27 of 1,610,882 alleles (0.0017%); highest among the groups gnomAD compares: Admixed American, 0.0034%; no homozygotes.

Submissions (4):

Labcorp Genetics (formerly Invitae), Labcorp
Classification: Likely benign for Gorlin syndrome. Last evaluated: 2025-12-22. Review status: criteria provided, single submitter. Criteria: Invitae Variant Classification Sherloc (09022015). Collection method: clinical testing. Allele origin: germline.

CeGaT Center for Human Genetics Tuebingen
Classification: Likely benign. Last evaluated: 2025-08-01. Review status: criteria provided, single submitter. Criteria: CeGaT Center For Human Genetics Tuebingen Variant Classification Criteria Version 2. Collection method: clinical testing. Allele origin: germline. Affected: yes. Observed: 1 variant allele.
Comment: PTCH1: BP4, BP7

Blueprint Genetics
Classification: Likely benign. Last evaluated: 2024-11-05. Review status: criteria provided, single submitter. Criteria: ACMG Guidelines, 2015. Collection method: clinical testing. Allele origin: germline.

Ambry Genetics
Classification: Likely benign for Hereditary cancer-predisposing syndrome. Last evaluated: 2018-02-09. Review status: criteria provided, single submitter. Criteria: Ambry Variant Classification Scheme 2023. Collection method: clinical testing. Allele origin: germline.